The following is an entry in ClinVar:

NM_000219.6(KCNE1):c.236A>G (p.Asn79Ser)

Gene: KCNE1 (potassium voltage-gated channel subfamily E regulatory subunit 1; minus strand). Cytogenetic location: 21q22.12.
Variant type: single nucleotide variant.
Coding change: c.236A>G on transcript NM_000219.6 (MANE Select); coding-DNA position 236, A replaced by G.
Protein change: p.Asn79Ser; replaces asparagine 79 with serine.
Molecular consequence: missense variant.
Genome position (GRCh38, 1-based): chr21:34,449,399, T>C on the plus strand (A>G on the coding strand, the complement: KCNE1 is on the minus strand). VCF-style: chr21-34449399-T-C. GRCh37 (hg19) VCF-style: chr21-35821697-T-C.
Other names: c.236A>G, p.Asn79Ser (NM_001127668.4, NM_001127669.4, NM_001127670.4 and 4 more transcripts); c.236A>G (NM_000219.3); short protein forms N79S.
Identifiers: ClinVar variation 1462525 (VCV001462525.13), dbSNP rs1422163809, ClinGen allele CA410198209.

ClinVar aggregate classification (germline): Conflicting classifications of pathogenicity. Review status: criteria provided, conflicting classifications (1 of 4 stars). 4 submissions from 4 submitters: Uncertain significance (3); Likely benign (1). Last evaluated 2025-05-26.

Conditions:
Cardiovascular phenotype. Identifiers: MedGen CN230736.
Jervell and Lange-Nielsen syndrome 2 (JLNS2). Identifiers: Orphanet 768, Orphanet 90647, MedGen C2676723, MONDO:0012871, OMIM 612347.
Long QT syndrome 5 (LQT5). Identifiers: Orphanet 101016, Orphanet 768, MedGen C1867904, MONDO:0013372, OMIM 613695.
Long QT syndrome (LQTS). Identifiers: MedGen C0023976, MeSH D008133, MONDO:0002442. Disease mechanism: loss of function. Inheritance: Various modes of inheritance.

Allele frequency attached by ClinVar (database versions not stated): gnomAD exomes below 0.00001; TOPMed 0.00001; gnomAD 0.00002.

Submissions (5):

Ambry Genetics
Classification: Uncertain significance for Cardiovascular phenotype. Last evaluated: 2025-05-26. Review status: criteria provided, single submitter. Criteria: Ambry Variant Classification Scheme 2023. Collection method: clinical testing. Allele origin: germline.
Comment: The p.N79S variant (also known as c.236A>G), located in coding exon 1 of the KCNE1 gene, results from an A to G substitution at nucleotide position 236. The asparagine at codon 79 is replaced by serine, an amino acid with highly similar properties. This amino acid position is well conserved in available vertebrate species. In addition, this alteration is predicted to be tolerated by in silico analysis. Based on the available evidence, the clinical significance of this variant remains unclear.

Labcorp Genetics (formerly Invitae), Labcorp
Classification: Uncertain significance for Long QT syndrome. Last evaluated: 2024-01-22. Review status: criteria provided, single submitter. Criteria: Invitae Variant Classification Sherloc (09022015). Collection method: clinical testing. Allele origin: germline.
Comment: This sequence change replaces asparagine, which is neutral and polar, with serine, which is neutral and polar, at codon 79 of the KCNE1 protein (p.Asn79Ser). This variant is present in population databases (no rsID available, gnomAD 0.005%). This variant has not been reported in the literature in individuals affected with KCNE1-related conditions. ClinVar contains an entry for this variant (Variation ID: 1462525). Algorithms developed to predict the effect of missense changes on protein structure and function output the following: SIFT: "Not Available"; PolyPhen-2: "Benign"; Align-GVGD: "Not Available". The serine amino acid residue is found in multiple mammalian species, which suggests that this missense change does not adversely affect protein function. In summary, the available evidence is currently insufficient to determine the role of this variant in disease. Therefore, it has been classified as a Variant of Uncertain Significance.

Blueprint Genetics
Classification: Likely benign. Last evaluated: 2023-09-14. Review status: criteria provided, single submitter. Criteria: ACMG Guidelines, 2015. Collection method: clinical testing. Allele origin: germline.

Fulgent Genetics
Classification: Uncertain significance for Jervell and Lange-Nielsen syndrome 2; Long QT syndrome 5. Last evaluated: 2021-09-28. Review status: criteria provided, single submitter. Criteria: ACMG Guidelines, 2015. Collection method: clinical testing. Allele origin: unknown.

Roden Lab, Vanderbilt University Medical Center
No classification provided (evidence only). Condition: Long QT syndrome 5. Review status: no classification provided. Collection method: in vitro. Allele origin: not applicable. Functional consequence: Effect on ion channel function. Not counted in ClinVar's aggregate classification.
ClinVar note: "not provided" was previously submitted as the classification for the variant. However, the classification appeared to be based only on an observation of functional data so it was converted to no classification on 2025-07-30.